The following is an entry in ClinVar:

NM_030962.4(SBF2):c.4009G>T (p.Glu1337Ter)

Gene: SBF2 (SET binding factor 2; minus strand). Cytogenetic location: 11p15.4.
Variant type: single nucleotide variant.
Coding change: c.4009G>T on transcript NM_030962.4 (MANE Select); coding-DNA position 4009, G replaced by T.
Protein change: p.Glu1337Ter; replaces glutamic acid 1337 with a stop codon.
Molecular consequence: nonsense.
Genome position (GRCh38, 1-based): chr11:9,812,678, C>A on the plus strand (G>T on the coding strand, the complement: SBF2 is on the minus strand). VCF-style: chr11-9812678-C-A. GRCh37 (hg19) VCF-style: chr11-9834225-C-A.
Other names: c.4105G>T, p.Glu1369Ter (NM_001386339.1); c.3880G>T, p.Glu1294Ter (NM_001386342.1); c.4045G>T, p.Glu1349Ter (NM_001424318.1, NM_001425070.1); c.3904G>T, p.Glu1302Ter (NM_001425069.1); short protein forms E1294*, E1337*, E1302*, E1349*, E1369*.
Identifiers: ClinVar variation 3723322 (VCV003723322.2).

ClinVar aggregate classification (germline): Pathogenic (1 of 4 stars; one submission).

Conditions:
Charcot-Marie-Tooth disease type 4. Also called: Charcot-Marie-Tooth, Type 4; Charcot-Marie-Tooth disease, type IV. Identifiers: Orphanet 64749, MedGen C4082197, MONDO:0018995.

Submission:

Labcorp Genetics (formerly Invitae), Labcorp
Classification: Pathogenic for Charcot-Marie-Tooth disease type 4. Last evaluated: 2024-10-20. Review status: criteria provided, single submitter. Criteria: Invitae Variant Classification Sherloc (09022015). Collection method: clinical testing. Allele origin: germline.
Comment: This sequence change creates a premature translational stop signal (p.Glu1337*) in the SBF2 gene. It is expected to result in an absent or disrupted protein product. Loss-of-function variants in SBF2 are known to be pathogenic (PMID: 12687498, 25873783). This variant is not present in population databases (gnomAD no frequency). This variant has not been reported in the literature in individuals affected with SBF2-related conditions. Algorithms developed to predict the effect of sequence changes on RNA splicing suggest that this variant may disrupt the consensus splice site. For these reasons, this variant has been classified as Pathogenic.

Literature cited by the submitters: PubMed 12687498; PubMed 25873783.